The following is an entry in ClinVar:

ClinVar aggregate classification (germline): Uncertain significance (1 of 4 stars; one submission).

Conditions:
Hereditary cancer-predisposing syndrome. Also called: Neoplastic Syndromes, Hereditary; Tumor predisposition; Hereditary Cancer Syndrome; Hereditary neoplastic syndrome. Identifiers: Orphanet 140162, MedGen C0027672, MeSH D009386, MONDO:0015356.

Submission:

Ambry Genetics
Classification: Uncertain significance for Hereditary cancer-predisposing syndrome. Last evaluated: 2021-06-11. Review status: criteria provided, single submitter. Criteria: Ambry Variant Classification Scheme 2023. Collection method: clinical testing. Allele origin: germline.
Comment: The p.E358D variant (also known as c.1074G>C), located in coding exon 7 of the MSH3 gene, results from a G to C substitution at nucleotide position 1074. The glutamic acid at codon 358 is replaced by aspartic acid, an amino acid with highly similar properties. This amino acid position is well conserved in available vertebrate species. In addition, this alteration is predicted to be tolerated by in silico analysis. Since supporting evidence is limited at this time, the clinical significance of this alteration remains unclear.

NM_002439.5(MSH3):c.1074G>C (p.Glu358Asp)

Gene: MSH3 (mutS homolog 3; plus strand). Cytogenetic location: 5q14.1.
Variant type: single nucleotide variant.
Coding change: c.1074G>C on transcript NM_002439.5 (MANE Select); coding-DNA position 1074, G replaced by C.
Protein change: p.Glu358Asp; replaces glutamic acid 358 with aspartic acid.
Molecular consequence: missense variant.
Genome position (GRCh38, 1-based): chr5:80,675,029, G>C. VCF-style: chr5-80675029-G-C. GRCh37 (hg19) VCF-style: chr5-79970848-G-C.
Other names: short protein forms E358D.
Identifiers: ClinVar variation 1784490 (VCV001784490.2), dbSNP rs1444231656, ClinGen allele CA360267992.